The following is an entry in ClinVar:

ClinVar aggregate classification (germline): Uncertain significance (1 of 4 stars; one submission).

Submission:

Laboratory for Molecular Medicine, Mass General Brigham Personalized Medicine
Classification: Uncertain significance. Last evaluated: 2014-09-10. Review status: criteria provided, single submitter. Criteria: LMM Criteria. Collection method: clinical testing. Allele origin: germline. Observed: 1 variant allele.
Comment: The Glu21724Lys variant in TTN has not been previously reported in individuals w ith cardiomyopathy or in large population studies. Computational prediction tool s and conservation analysis do not provide strong support for or against an impa ct to the protein. In summary, the clinical significance of the Glu21724Lys vari ant is uncertain.

NM_001267550.2(TTN):c.72874G>A (p.Glu24292Lys)

Genes: TTN (titin; minus strand), TTN-AS1 (TTN antisense RNA 1; plus strand). Cytogenetic location: 2q31.2.
Variant type: single nucleotide variant.
Coding change: c.72874G>A on transcript NM_001267550.2 (MANE Select); coding-DNA position 72874, G replaced by A.
Protein change: p.Glu24292Lys; replaces glutamic acid 24292 with lysine.
Molecular consequence: missense variant.
Genome position (GRCh38, 1-based): chr2:178,573,258, C>T on the plus strand (G>A on the coding strand, the complement: TTN is on the minus strand). VCF-style: chr2-178573258-C-T. GRCh37 (hg19) VCF-style: chr2-179437985-C-T.
Other names: c.65170G>A, p.Glu21724Lys (NM_133378.4); c.67951G>A, p.Glu22651Lys (NM_001256850.1); c.45679G>A, p.Glu15227Lys (NM_003319.4); c.46054G>A, p.Glu15352Lys (NM_133432.3); c.46255G>A, p.Glu15419Lys (NM_133437.4); short protein forms E21724K, E24292K, E15352K, E22651K, E15227K, E15419K.
Identifiers: ClinVar variation 179953 (VCV000179953.5), dbSNP rs727505240, ClinGen allele CA185499.